The following is an entry in ClinVar:

ClinVar aggregate classification (germline): Benign. Review status: reviewed by expert panel (3 of 4 stars). 2 submissions from 2 submitters: Benign (1). 1 of the submissions does not count toward it. Last evaluated 2022-06-06.

Conditions:
Arginine:glycine amidinotransferase deficiency (CCDS3). Also called: Creatine deficiency syndrome due to AGAT deficiency; GATM deficiency; Cerebral creatine deficiency syndrome 3; L-Arginine:Glycine Amidinotransferase (AGAT) Deficiency; AGAT deficiency; L-Arginine:Glycine Amidinotransferase Deficiency. Identifiers: Orphanet 35704, MedGen C2675179, MONDO:0012996, OMIM 612718.

Allele frequency attached by ClinVar (database versions not stated): ExAC 0.00047; gnomAD exomes 0.00047; gnomAD 0.00052 and 0.00058; TOPMed 0.00052.
gnomAD v4.1: 930 of 1,402,906 alleles (0.066%); highest among the groups gnomAD compares: Non-Finnish European, 0.085%; 1 homozygote.

Submissions (2):

ClinGen Cerebral Creatine Deficiency Syndromes Variant Curation Expert Panel, ClinGen
Classification: Benign for Arginine:glycine amidinotransferase deficiency. Last evaluated: 2022-06-06. Review status: reviewed by expert panel. Criteria: ClinGen_CCDS_ACMG_Specifications_GATM_v1.1. Collection method: curation. Allele origin: germline. Inheritance: Autosomal recessive inheritance.
Comment: The NM_001482.3:c.*27C>G variant is a single nucleotide substitution in the 3'UTR of GATM. Because the variant is located in the 3'UTR, it is not expected to alter the amino acid sequence. The highest population minor allele frequency in gnomAD v2.1.1 is 0.000856 (110/128560 alleles) in the non-Finnish European population, which is higher than the ClinGen CCDS VCEP’s threshold for BA1 (>0.0005), and therefore meets this criterion (BA1). There is a ClinVar entry for this variant (Variation ID: 316209). In summary, this variant meets the criteria to be classified as benign for AGAT deficiency based on the ACMG/AMP criteria applied, as specified by the ClinGen Cerebral Creatine Deficiency Syndromes Variant Curation Expert Panel (Specifications Version 1.1.0): BA1. (Classification approved by the ClinGen CCDS VCEP on June 6, 2022).

Illumina Laboratory Services, Illumina
Classification: Uncertain significance for Arginine:glycine amidinotransferase deficiency. Last evaluated: 2018-01-12. Review status: criteria provided, single submitter. Criteria: ICSL Variant Classification Criteria 13 December 2019. Collection method: clinical testing. Allele origin: germline. Not counted in ClinVar's aggregate classification.

NM_001482.3(GATM):c.*27C>G

Gene: GATM (glycine amidinotransferase; minus strand). Cytogenetic location: 15q21.1.
Variant type: single nucleotide variant.
Coding change: c.*27C>G on transcript NM_001482.3 (MANE Select); 27 bases downstream of the stop codon, C replaced by G.
Molecular consequence: 3 prime UTR variant.
Genome position (GRCh38, 1-based): chr15:45,362,082, G>C on the plus strand (C>G on the coding strand, the complement: GATM is on the minus strand). VCF-style: chr15-45362082-G-C. GRCh37 (hg19) VCF-style: chr15-45654280-G-C.
Other names: c.*27C>G (NM_001321015.2).
Identifiers: ClinVar variation 316209 (VCV000316209.6), dbSNP rs200143728, ClinGen allele CA7542745.
Genomic context (GRCh38, chr15:45,362,082, plus strand): 5'-CATGCACTTTTTAAAGCAGGAGAATGAACCTTGCCCCTAAGCTTCTTAGGTGTATCTGAG[G>C]CCAGCCACAAGCTCCATCAGGCCTGTTCAGTCCAAGTAGGACTGTAAGGTGCCTCGGCGC-3'